The following is an entry in ClinVar:

ClinVar aggregate classification (germline): Conflicting classifications of pathogenicity. Review status: criteria provided, conflicting classifications (1 of 4 stars). 4 submissions from 4 submitters: Uncertain significance (1); Likely benign (3). Last evaluated 2025-06-03.

Conditions:
Hereditary cancer-predisposing syndrome. Also called: Tumor predisposition; Hereditary Cancer Syndrome; Hereditary neoplastic syndrome; Neoplastic Syndromes, Hereditary. Identifiers: Orphanet 140162, MedGen C0027672, MeSH D009386, MONDO:0015356.
Familial adenomatous polyposis 2. Also called: FAP type 2; MUTYH Polyposis; COLORECTAL ADENOMATOUS POLYPOSIS, AUTOSOMAL RECESSIVE; ADENOMAS, MULTIPLE COLORECTAL, AUTOSOMAL RECESSIVE; MUTYH-associated polyposis; MUTYH-related attenuated familial adenomatous polyposis. Identifiers: Orphanet 220460, Orphanet 247798, MedGen C3272841, MONDO:0012041, OMIM 608456.

gnomAD v4.1: 2 of 1,613,962 alleles (0.00012%); highest among the groups gnomAD compares: African/African-American, 0.0027%; no homozygotes.

Submissions (4):

Quest Diagnostics Nichols Institute San Juan Capistrano
Classification: Uncertain significance. Last evaluated: 2025-06-03. Review status: criteria provided, single submitter. Criteria: Quest Diagnostics criteria. Collection method: clinical testing. Allele origin: unknown.
Comment: The MUTYH c.571C>A (p.Arg191=) synonymous variant has not been reported in individuals with MUTYH-related conditions in the published literature. The frequency of this variant in the general population (Genome Aggregation Database) is uninformative in the assessment of its pathogenicity. Analysis of this variant using software algorithms for the prediction of the effect of nucleotide changes on splicing yielded predictions that this variant does not affect MUTYH mRNA splicing. Based on the available information, we are unable to determine the clinical significance of this variant.

Labcorp Genetics (formerly Invitae), Labcorp
Classification: Likely benign for Familial adenomatous polyposis 2. Last evaluated: 2025-03-27. Review status: criteria provided, single submitter. Criteria: Invitae Variant Classification Sherloc (09022015). Collection method: clinical testing. Allele origin: germline.

Color Diagnostics, LLC DBA Color Health
Classification: Likely benign for Hereditary cancer-predisposing syndrome. Last evaluated: 2019-10-31. Review status: criteria provided, single submitter. Criteria: ACMG Guidelines, 2015. Collection method: clinical testing. Allele origin: germline.

Ambry Genetics
Classification: Likely benign for Hereditary cancer-predisposing syndrome. Last evaluated: 2018-08-24. Review status: criteria provided, single submitter. Criteria: Ambry Variant Classification Scheme 2023. Collection method: clinical testing. Allele origin: germline.

NM_001048174.2(MUTYH):c.487C>A (p.Arg163=)

Gene: MUTYH (mutY DNA glycosylase; minus strand). Cytogenetic location: 1p34.1.
Variant type: single nucleotide variant.
Coding change: c.487C>A on transcript NM_001048174.2 (MANE Select); coding-DNA position 487, C replaced by A.
Protein change: p.Arg163=; no amino-acid change (arginine 163 retained).
Molecular consequence: synonymous variant. On other transcripts: non-coding transcript variant (2).
Genome position (GRCh38, 1-based): chr1:45,332,768, G>T on the plus strand (C>A on the coding strand, the complement: MUTYH is on the minus strand). VCF-style: chr1-45332768-G-T. GRCh37 (hg19) VCF-style: chr1-45798440-G-T.
Other names: c.487C>A, p.Arg163= (NM_001048171.2, NM_001048173.2, NM_001293195.2); c.490C>A, p.Arg164= (NM_001048172.2); c.571C>A, p.Arg191= (NM_001128425.2); c.532C>A, p.Arg178= (NM_001293190.2); c.520C>A, p.Arg174= (NM_001293191.2); c.211C>A, p.Arg71= (NM_001293192.2, NM_001293196.2); c.142C>A, p.Arg48= (NM_001350650.2, NM_001350651.2); c.562C>A, p.Arg188= (NM_012222.3).
Identifiers: ClinVar variation 825920 (VCV000825920.16), dbSNP rs761101420, ClinGen allele CA340135543.